The following is an entry in ClinVar:

ClinVar aggregate classification (germline): Uncertain significance. Review status: criteria provided, multiple submitters, no conflicts (2 of 4 stars). 3 submissions from 3 submitters: Uncertain significance (2). 1 of the submissions does not count toward it. Last evaluated 2024-08-26.

Conditions:
TUB-related disorder. Also called: TUB-related condition.

Submissions (3):

Blueprint Genetics
Classification: Uncertain significance. Last evaluated: 2024-08-26. Review status: criteria provided, single submitter. Criteria: ACMG Guidelines, 2015. Collection method: clinical testing. Allele origin: germline.

Labcorp Genetics (formerly Invitae), Labcorp
Classification: Uncertain significance. Last evaluated: 2022-10-24. Review status: criteria provided, single submitter. Criteria: Invitae Variant Classification Sherloc (09022015). Collection method: clinical testing. Allele origin: germline.
Comment: This sequence change creates a premature translational stop signal (p.Glu17Aspfs*53) in the TUB gene. However, it is currently unclear if variants that occur in this region of the gene cause disease. This variant is present in population databases (rs752465674, gnomAD 0.2%). This variant has not been reported in the literature in individuals affected with TUB-related conditions. ClinVar contains an entry for this variant (Variation ID: 1069023). In summary, the available evidence is currently insufficient to determine the role of this variant in disease. Therefore, it has been classified as a Variant of Uncertain Significance.

PreventionGenetics, part of Exact Sciences
Classification: Uncertain significance for TUB-related condition. Last evaluated: 2024-05-01. Review status: no assertion criteria provided. Collection method: clinical testing. Allele origin: germline. Not counted in ClinVar's aggregate classification.
Comment: The TUB c.51_58del8 variant is predicted to result in a frameshift and premature protein termination (p.Glu17Aspfs*53). This variant was reported in a study of carrier frequency and genetic prevalence of autosomal recessive inherited retinal diseases (Hanany et al. 2020. PubMed ID: 31964843, Table S3). This variant is reported in 0.15% of alleles in individuals of East Asian descent in gnomAD. Since the role of this gene is currently unclear to human diseases, at this time, the clinical significance of this variant is uncertain due to the absence of conclusive functional and genetic evidence.

NM_003320.5(TUB):c.51_58del (p.Glu17fs)

Gene: TUB (TUB bipartite transcription factor; plus strand). Cytogenetic location: 11p15.4.
Variant type: Deletion.
Coding change: c.51_58del on transcript NM_003320.5; coding-DNA positions 51 to 58, 8 bases deleted (GACAGGGA; older notation c.51_58delGACAGGGA).
Protein change: p.Glu17fs; shifts the reading frame from glutamic acid 17.
Molecular consequence: frameshift variant. On other transcripts: intron variant (4).
Genome position (GRCh38, 1-based): chr11:8,038,924-8,038,931, GACAGGGA deleted; deleting any 8 consecutive bases within chr11:8,038,922-8,038,931 gives the same sequence; the c. name uses the placement nearest the transcript's 3' end. VCF-style (leftmost placement, unchanged base first): chr11-8038921-CGAGACAGG-C. GRCh37 (hg19) VCF-style: chr11-8060468-CGAGACAGG-C.
Other names: c.56+19566_56+19573del (NM_001440538.1, NM_001440539.1, NM_001440540.1 and 1 more transcripts); short protein forms E17fs.
Identifiers: ClinVar variation 1069023 (VCV001069023.8), dbSNP rs752465674, ClinGen allele CA5870800.